The following is an entry in ClinVar:

NM_001394998.1(TANC2):c.2538C>T (p.Ile846=)

Gene: TANC2 (tetratricopeptide repeat, ankyrin repeat and coiled-coil containing 2; plus strand). Cytogenetic location: 17q23.3.
Variant type: single nucleotide variant.
Coding change: c.2538C>T on transcript NM_001394998.1 (MANE Select); coding-DNA position 2538, C replaced by T.
Protein change: p.Ile846=; no amino-acid change (isoleucine 846 retained).
Molecular consequence: synonymous variant.
Genome position (GRCh38, 1-based): chr17:63,355,346, C>T. VCF-style: chr17-63355346-C-T. GRCh37 (hg19) VCF-style: chr17-61432707-C-T.
Other names: c.2316C>T, p.Ile772= (NM_001411076.1, NM_025185.4).
Identifiers: ClinVar variation 1711444 (VCV001711444.30), dbSNP rs1043468476, ClinGen allele CA292874899.

ClinVar aggregate classification (germline): Likely benign (1 of 4 stars; one submission).

Allele frequency attached by ClinVar (database versions not stated): gnomAD 0.00001; TOPMed 0.00003.
gnomAD v4.1: 2 of 1,606,350 alleles (0.00012%); highest among the groups gnomAD compares: African/African-American, 0.0027%; no homozygotes.

Submission:

CeGaT Center for Human Genetics Tuebingen
Classification: Likely benign. Last evaluated: 2022-09-01. Review status: criteria provided, single submitter. Criteria: CeGaT Center For Human Genetics Tuebingen Variant Classification Criteria Version 2. Collection method: clinical testing. Allele origin: germline. Affected: yes. Observed: 1 variant allele.
Comment: TANC2: BP4, BS2